The following is an entry in ClinVar:

NM_213599.3(ANO5):c.148C>T (p.Arg50Ter)

Gene: ANO5 (anoctamin 5; plus strand). Cytogenetic location: 11p14.3.
Variant type: single nucleotide variant.
Coding change: c.148C>T on transcript NM_213599.3 (MANE Select); coding-DNA position 148, C replaced by T.
Protein change: p.Arg50Ter; replaces arginine 50 with a stop codon.
Molecular consequence: nonsense.
Genome position (GRCh38, 1-based): chr11:22,218,255, C>T. VCF-style: chr11-22218255-C-T. GRCh37 (hg19) VCF-style: chr11-22239801-C-T.
Other names: NM_213599.3(ANO5):c.148C>T; p.Arg50Ter; c.145C>T, p.Arg49Ter (NM_001142649.2); short protein forms R50*, R49*.
Identifiers: ClinVar variation 468825 (VCV000468825.11), dbSNP rs1168346560, ClinGen allele CA379924765.

ClinVar aggregate classification (germline): Pathogenic. Review status: reviewed by expert panel (3 of 4 stars). 3 submissions from 3 submitters: Pathogenic (1). 2 of the submissions do not count toward it. Last evaluated 2025-01-07.

Conditions:
Autosomal recessive limb-girdle muscular dystrophy type 2L (LGMDR12). Also called: Limb-Girdle Muscular Dystrophy R12 Anoctamin-5-Related (LGMD-R12); Limb-girdle muscular dystrophy, type 2L; MUSCULAR DYSTROPHY, LIMB-GIRDLE, AUTOSOMAL RECESSIVE 12. Identifiers: Orphanet 206549, MedGen C1969785, MONDO:0012652, OMIM 611307.
Miyoshi muscular dystrophy 3 (MMD3). Also called: Miyoshi Muscular Dystrophy 3 (MMD3); Miyoshi myopathy 3. Identifiers: Orphanet 399096, MedGen C2750076, MONDO:0013222, OMIM 613319.
Gnathodiaphyseal dysplasia (GDD). Also called: GNATHODIAPHYSEAL SCLEROSIS; OSTEOGENESIS IMPERFECTA WITH UNUSUAL SKELETAL LESIONS. Identifiers: Orphanet 53697, MedGen C1833736, MONDO:0008151, OMIM 166260.
Autosomal recessive limb-girdle muscular dystrophy. Identifiers: Orphanet 102015, MedGen C2931907, MONDO:0015152.

Allele frequency attached by ClinVar (database versions not stated): gnomAD exomes below 0.00001; gnomAD 0.00001; TOPMed 0.00001.
gnomAD v4.1: 4 of 1,613,172 alleles (0.00025%); highest among the groups gnomAD compares: African/African-American, 0.0013%; no homozygotes.

Submissions (3):

ClinGen Limb Girdle Muscular Dystrophy Variant Curation Expert Panel, ClinGen
Classification: Pathogenic for Autosomal recessive limb-girdle muscular dystrophy. Last evaluated: 2025-01-07. Review status: reviewed by expert panel. Criteria: ClinGen LGMD VCEP ACMG Specifications ANO5 V1.0.0. Collection method: curation. Allele origin: germline. Inheritance: Autosomal recessive inheritance.
Comment: The NM_213599.3: c.148C>T p.(Arg50Ter) variant in ANO5 is a nonsense variant predicted to cause a premature stop codon in biologically relevant exon 4/22 leading to nonsense mediated decay in a gene in which loss of function is an established disease mechanism (PVS1). This variant has been detected in at least two individuals with LGMD, including confirmed in trans with a pathogenic or likely pathogenic variant (c.191dup, 1.0 pt, PMID: 23041008) (PM3). At least one patient with this variant displayed progressive limb girdle muscle weakness (PMID: 28403181; PP4). This variant is absent from gnomAD v3.1.2 and v2.1.1 (PM2_Supporting). In summary, this variant meets the criteria to be classified as Pathogenic for autosomal recessive limb girdle muscular dystrophy based on the ACMG/AMP criteria applied, as specified by the ClinGen LGMD VCEP (LGMD VCEP specifications version 1.0.0; 01/07/2025): PVS1, PM3, PP4, PM2_Supporting.

Labcorp Genetics (formerly Invitae), Labcorp
Classification: Pathogenic for Autosomal recessive limb-girdle muscular dystrophy type 2L; Gnathodiaphyseal dysplasia. Last evaluated: 2025-12-24. Review status: criteria provided, single submitter. Criteria: Invitae Variant Classification Sherloc (09022015). Collection method: clinical testing. Allele origin: germline. Not counted in ClinVar's aggregate classification.
Comment: This sequence change creates a premature translational stop signal (p.Arg50*) in the ANO5 gene. It is expected to result in an absent or disrupted protein product. Loss-of-function variants in ANO5 are known to be pathogenic (PMID: 21186264, 23606453, 25891276, 30919934). This variant is not present in population databases (gnomAD no frequency). This premature translational stop signal has been observed in individual(s) with metabolic myopathy (PMID: 23041008). ClinVar contains an entry for this variant (Variation ID: 468825). For these reasons, this variant has been classified as Pathogenic.

Fulgent Genetics
Classification: Pathogenic for Gnathodiaphyseal dysplasia; Autosomal recessive limb-girdle muscular dystrophy type 2L; Miyoshi muscular dystrophy 3. Last evaluated: 2018-10-31. Review status: criteria provided, single submitter. Criteria: ACMG Guidelines, 2015. Collection method: clinical testing. Allele origin: unknown. Not counted in ClinVar's aggregate classification.

Literature cited by the submitters: PubMed 21186264 (cited by Labcorp Genetics (formerly Invitae), Labcorp); PubMed 23606453 (cited by Labcorp Genetics (formerly Invitae), Labcorp); PubMed 25891276 (cited by Labcorp Genetics (formerly Invitae), Labcorp); PubMed 30919934 (cited by Labcorp Genetics (formerly Invitae), Labcorp); PubMed 23041008 (cited by Labcorp Genetics (formerly Invitae), Labcorp).